The following is an entry in ClinVar:

ClinVar aggregate classification (germline): Uncertain significance (1 of 4 stars; one submission).

gnomAD v4.1: 6 of 1,609,664 alleles (0.00037%); highest among the groups gnomAD compares: Non-Finnish European, 0.00051%; no homozygotes.

Submission:

Labcorp Genetics (formerly Invitae), Labcorp
Classification: Uncertain significance. Last evaluated: 2024-10-21. Review status: criteria provided, single submitter. Criteria: Invitae Variant Classification Sherloc (09022015). Collection method: clinical testing. Allele origin: germline.
Comment: This sequence change replaces arginine, which is basic and polar, with leucine, which is neutral and non-polar, at codon 177 of the SLC46A1 protein (p.Arg177Leu). This variant is present in population databases (no rsID available, gnomAD 0.002%). This variant has not been reported in the literature in individuals affected with SLC46A1-related conditions. ClinVar contains an entry for this variant (Variation ID: 1943042). Invitae Evidence Modeling of protein sequence and biophysical properties (such as structural, functional, and spatial information, amino acid conservation, physicochemical variation, residue mobility, and thermodynamic stability) indicates that this missense variant is not expected to disrupt SLC46A1 protein function with a negative predictive value of 80%. In summary, the available evidence is currently insufficient to determine the role of this variant in disease. Therefore, it has been classified as a Variant of Uncertain Significance.

NM_080669.6(SLC46A1):c.530G>T (p.Arg177Leu)

Gene: SLC46A1 (solute carrier family 46 member 1; minus strand). Cytogenetic location: 17q11.2.
Variant type: single nucleotide variant.
Coding change: c.530G>T on transcript NM_080669.6 (MANE Select); coding-DNA position 530, G replaced by T.
Protein change: p.Arg177Leu; replaces arginine 177 with leucine.
Molecular consequence: missense variant.
Genome position (GRCh38, 1-based): chr17:28,405,167, C>A on the plus strand (G>T on the coding strand, the complement: SLC46A1 is on the minus strand). VCF-style: chr17-28405167-C-A. GRCh37 (hg19) VCF-style: chr17-26732185-C-A.
Other names: c.530G>T, p.Arg177Leu (NM_001242366.3); short protein forms R177L.
Identifiers: ClinVar variation 1943042 (VCV001943042.5), dbSNP rs542701757, ClinGen allele CA398351024.